The following is an entry in ClinVar:

ClinVar aggregate classification (germline): Uncertain significance. Review status: criteria provided, multiple submitters, no conflicts (2 of 4 stars). 4 submissions from 4 submitters: Uncertain significance (4). Last evaluated 2023-03-28.

Conditions:
Autosomal recessive ataxia, Beauce type. Also called: Spinocerebellar ataxia, autosomal recessive 8; SYNE1-Related Autosomal Recessive Cerebellar Ataxia; SYNE1 Deficiency; ATAXIA, RECESSIVE, OF BEAUCE. Identifiers: Orphanet 88644, MedGen C1853116, MONDO:0012549, OMIM 610743.
Emery-Dreifuss muscular dystrophy 4, autosomal dominant (EDMD4). Also called: EMERY-DREIFUSS MUSCULAR DYSTROPHY 4 WITH VARIABLE FEATURES. Identifiers: Orphanet 261, MedGen C2751807, MONDO:0013071, OMIM 612998.

Allele frequency attached by ClinVar (database versions not stated): gnomAD 0.00001; TOPMed below 0.00001; gnomAD exomes 0.00001.
gnomAD v4.1: 14 of 1,614,060 alleles (0.00087%); highest among the groups gnomAD compares: Middle Eastern, 0.049%; no homozygotes.

Submissions (4):

Athena Diagnostics
Classification: Uncertain significance. Last evaluated: 2023-03-28. Review status: criteria provided, single submitter. Criteria: Athena Diagnostics Criteria. Collection method: clinical testing. Allele origin: unknown.
Comment: Available data are insufficient to determine the clinical significance of the variant at this time. The frequency of this variant in the general population is uninformative in assessment of its pathogenicity. Computational tools disagree on the variant's effect on normal protein function.

Labcorp Genetics (formerly Invitae), Labcorp
Classification: Uncertain significance for Emery-Dreifuss muscular dystrophy 4, autosomal dominant; Autosomal recessive ataxia, Beauce type. Last evaluated: 2022-08-09. Review status: criteria provided, single submitter. Criteria: Invitae Variant Classification Sherloc (09022015). Collection method: clinical testing. Allele origin: germline.
Comment: In summary, the available evidence is currently insufficient to determine the role of this variant in disease. Therefore, it has been classified as a Variant of Uncertain Significance. Algorithms developed to predict the effect of missense changes on protein structure and function are either unavailable or do not agree on the potential impact of this missense change (SIFT: "Deleterious"; PolyPhen-2: "Probably Damaging"; Align-GVGD: "Class C0"). ClinVar contains an entry for this variant (Variation ID: 500362). This variant has not been reported in the literature in individuals affected with SYNE1-related conditions. This variant is present in population databases (rs757466963, gnomAD 0.004%). This sequence change replaces arginine, which is basic and polar, with glutamine, which is neutral and polar, at codon 8698 of the SYNE1 protein (p.Arg8698Gln).

Revvity Omics, Revvity
Classification: Uncertain significance. Last evaluated: 2019-06-05. Review status: criteria provided, single submitter. Criteria: ACMG Guidelines, 2015. Collection method: clinical testing. Allele origin: germline.

Eurofins Ntd Llc (ga)
Classification: Uncertain significance. Last evaluated: 2017-02-07. Review status: criteria provided, single submitter. Criteria: EGL Classification Definitions 2015. Collection method: clinical testing. Allele origin: germline. Observed: 1 variant allele, 1 heterozygote.

NM_182961.4(SYNE1):c.26237G>A (p.Arg8746Gln)

Genes: ESR1 (estrogen receptor 1; plus strand), SYNE1 (spectrin repeat containing nuclear envelope protein 1; minus strand). Cytogenetic location: 6q25.2.
Variant type: single nucleotide variant.
Coding change: c.26237G>A on transcript NM_182961.4 (MANE Select); coding-DNA position 26237, G replaced by A.
Protein change: p.Arg8746Gln; replaces arginine 8746 with glutamine.
Molecular consequence: missense variant. On other transcripts: 3 prime UTR variant (1), intron variant (1).
Genome position (GRCh38, 1-based): chr6:152,122,593, C>T on the plus strand (G>A on the coding strand, the complement: SYNE1 is on the minus strand). VCF-style: chr6-152122593-C-T. GRCh37 (hg19) VCF-style: chr6-152443728-C-T.
Other names: c.*48G>A (NM_001347701.2); c.2771G>A, p.Arg924Gln (NM_001347702.2); c.26093G>A, p.Arg8698Gln (NM_033071.5); c.851-2673C>T (NM_001328100.2); short protein forms R8698Q, R8746Q, R924Q.
Identifiers: ClinVar variation 500362 (VCV000500362.19), dbSNP rs757466963, ClinGen allele CA4052598.